The following is an entry in ClinVar:

NM_004595.5(SMS):c.166G>A (p.Gly56Ser)

Gene: SMS (spermine synthase; plus strand). Cytogenetic location: Xp22.11.
Variant type: single nucleotide variant.
Coding change: c.166G>A on transcript NM_004595.5 (MANE Select); coding-DNA position 166, G replaced by A.
Protein change: p.Gly56Ser; replaces glycine 56 with serine.
Molecular consequence: missense variant.
Genome position (GRCh38, 1-based): chrX:21,967,312, G>A. VCF-style: chrX-21967312-G-A. GRCh37 (hg19) VCF-style: chrX-21985430-G-A.
Other names: c.166G>A, p.Gly56Ser (NM_001258423.2); short protein forms G56S.
Identifiers: ClinVar variation 11624 (VCV000011624.12), dbSNP rs121434610, ClinGen allele CA341122.

ClinVar aggregate classification (germline): Pathogenic. Review status: criteria provided, multiple submitters, no conflicts (2 of 4 stars). 5 submissions from 5 submitters: Pathogenic (3). 2 of the submissions do not count toward it. Last evaluated 2025-01-28.

Conditions:
Inborn genetic diseases. Identifiers: MedGen C0950123, MeSH D030342.
Intellectual developmental disorder, X-linked, syndromic, Snyder-Robinson type. Also called: Syndromic X-linked intellectual disability Snyder type; SNYDER-ROBINSON MENTAL RETARDATION SYNDROME; X-linked mental retardation Snyder - Robinson type; Spermine synthase deficiency. Identifiers: Orphanet 3063, MedGen C0796160, MONDO:0010664, OMIM 309583.

Submissions (5):

Ambry Genetics
Classification: Pathogenic for Inborn genetic diseases. Last evaluated: 2025-01-28. Review status: criteria provided, single submitter. Criteria: Ambry Variant Classification Scheme 2023. Collection method: clinical testing. Allele origin: germline.
Comment: The c.166G>A (p.G56S) alteration is located in coding exon 2 of the SMS gene. This alteration results from a G to A substitution at nucleotide position 166, causing the glycine (G) at amino acid position 56 to be replaced by a serine (S). This variant was not reported in population-based cohorts in the Genome Aggregation Database (gnomAD). This variant was identified in one or more individuals with features consistent with Snyder-Robinson syndrome and segregated with disease in at least one family (de Alencastro, 2008). This amino acid position is highly conserved in available vertebrate species. An animal model expressing this variant exhibited phenotype(s) consistent with SMS-related disease (Akinyele, 2024). In an assay testing SMS function, this variant showed a functionally abnormal result (Zhang, 2010). This alteration is predicted to be deleterious by in silico analysis. Based on the available evidence, this alteration is classified as pathogenic.

Dasa
Classification: Pathogenic. Last evaluated: 2024-08-28. Review status: criteria provided, single submitter. Criteria: DASA Assertion Criteria. Collection method: clinical testing. Allele origin: germline.
Comment: NM_004595.5(SMS):c.166G>A (p.Gly56Ser) is a missense variant that results in the substitution of glycine with serine. This variant has been reported in individuals with related phenotype. This variant has been observed in affected individuals with related phenotype in a genotype context consistent with recessive disease. Functional evidence supports a deleterious effect on the gene or gene product. The variant is present at low frequency in population datasets. Based on the available data, this variant is classified as pathogenic.

GeneDx
Classification: Pathogenic. Last evaluated: 2022-10-03. Review status: criteria provided, single submitter. Criteria: GeneDx Variant Classification Process June 2021. Collection method: clinical testing. Allele origin: germline. Affected: yes.
Comment: Published functional studies demonstrate a damaging effect as in vitro studies reveal the G56 site is sensitive to charge residue replacement with the G56S variant predicted to lower dimer affinity (Zhang et al., 2011) In addition, lymphoblastoid cell lines from affected males had no detectable spermine synthase enzyme activity (de Alencastro et al., 2008); In silico analysis supports that this missense variant does not alter protein structure/function; Not observed at significant frequency in large population cohorts (gnomAD); This variant is associated with the following publications: (PMID: 20556796, 23408511, 18550699, 26761001, 26350204, 30237987, 23805436, 31580924, 21647366)

OMIM
Classification: Pathogenic for INTELLECTUAL DEVELOPMENTAL DISORDER, X-LINKED, SYNDROMIC, SNYDER-ROBINSON TYPE. Last evaluated: 2008-08-01. Review status: no assertion criteria provided. Collection method: literature only. Allele origin: germline. Not counted in ClinVar's aggregate classification.

GeneReviews
No classification provided. Condition: Intellectual developmental disorder, X-linked, syndromic, Snyder-Robinson type. Review status: no classification provided. Collection method: literature only. Allele origin: unknown. Not counted in ClinVar's aggregate classification.

Literature cited by the submitters: PubMed 18550699 (cited by Ambry Genetics); PubMed 20556796 (cited by Ambry Genetics); PubMed 23696453 (cited by Ambry Genetics); PubMed 38463005 (cited by Ambry Genetics); de Alencastro, G., McCloskey, D. E., Kliemann, S. E., Maranduba, C. M. C., Pegg, A. E., Wang, X., Bertola, D. A., Schwartz, C. E., Passos-Bueno, M. R., Sertie, A. L. New SMS mutation leads to a striking reduction in spermine synthase protein function and a severe form of Snyder-Robinson X-linked recessive mental retardation syndrome. (Letter) J. Med. Genet. 45: 539-543, 2008. (cited by OMIM); PubMed 23805436 (cited by GeneReviews); NCBI Bookshelf NBK144284 (cited by GeneReviews).